The following is an entry in ClinVar:

ClinVar aggregate classification (germline): Uncertain significance (1 of 4 stars; one submission).

Submission:

Labcorp Genetics (formerly Invitae), Labcorp
Classification: Uncertain significance. Last evaluated: 2024-12-22. Review status: criteria provided, single submitter. Criteria: Invitae Variant Classification Sherloc (09022015). Collection method: clinical testing. Allele origin: germline.
Comment: This sequence change replaces arginine, which is basic and polar, with histidine, which is basic and polar, at codon 162 of the TUBB2B protein (p.Arg162His). This variant is not present in population databases (gnomAD no frequency). This variant has not been reported in the literature in individuals affected with TUBB2B-related conditions. This missense change has been observed in at least one individual who was not affected with TUBB2B-related conditions (internal data). Invitae Evidence Modeling of protein sequence and biophysical properties (such as structural, functional, and spatial information, amino acid conservation, physicochemical variation, residue mobility, and thermodynamic stability) indicates that this missense variant is expected to disrupt TUBB2B protein function with a positive predictive value of 80%. In summary, the available evidence is currently insufficient to determine the role of this variant in disease. Therefore, it has been classified as a Variant of Uncertain Significance.

NM_178012.5(TUBB2B):c.485G>A (p.Arg162His)

Gene: TUBB2B (tubulin beta 2B class IIb; minus strand). Cytogenetic location: 6p25.2.
Variant type: single nucleotide variant.
Coding change: c.485G>A on transcript NM_178012.5 (MANE Select); coding-DNA position 485, G replaced by A.
Protein change: p.Arg162His; replaces arginine 162 with histidine.
Molecular consequence: missense variant.
Genome position (GRCh38, 1-based): chr6:3,225,604, C>T on the plus strand (G>A on the coding strand, the complement: TUBB2B is on the minus strand). VCF-style: chr6-3225604-C-T. GRCh37 (hg19) VCF-style: chr6-3225838-C-T.
Other names: short protein forms R162H.
Identifiers: ClinVar variation 3665650 (VCV003665650.2).